The following is an entry in ClinVar:

NM_001031855.3(LONRF3):c.1299G>T (p.Gly433=)

Gene: LONRF3 (LON peptidase N-terminal domain and ring finger 3; plus strand). Cytogenetic location: Xq24.
Variant type: single nucleotide variant.
Coding change: c.1299G>T on transcript NM_001031855.3 (MANE Select); coding-DNA position 1299, G replaced by T.
Protein change: p.Gly433=; no amino-acid change (glycine 433 retained).
Molecular consequence: synonymous variant. On other transcripts: non-coding transcript variant (1).
Genome position (GRCh38, 1-based): chrX:118,989,647, G>T. VCF-style: chrX-118989647-G-T. GRCh37 (hg19) VCF-style: chrX-118123610-G-T.
Other names: NC_000023.10:g.118123610G>T; c.531G>T, p.Gly177= (NM_001289109.1); c.1176G>T, p.Gly392= (NM_024778.5).
Identifiers: ClinVar variation 2661282 (VCV002661282.25), dbSNP rs142579791, ClinGen allele CA10500596.

ClinVar aggregate classification (germline): Likely benign (1 of 4 stars; one submission).

Allele frequency attached by ClinVar (database versions not stated): 1000 Genomes Project 30x 0.00083; 1000 Genomes Project 0.00106.
gnomAD v4.1: 379 of 1,208,679 alleles (0.031%); highest among the groups gnomAD compares: East Asian, 0.96%; 4 homozygotes.

Submissions (2):

CeGaT Center for Human Genetics Tuebingen
Classification: Likely benign. Last evaluated: 2023-02-01. Review status: criteria provided, single submitter. Criteria: CeGaT Center For Human Genetics Tuebingen Variant Classification Criteria Version 2. Collection method: clinical testing. Allele origin: germline. Affected: yes. Observed: 1 variant allele.
Comment: LONRF3: PP3, BS2

Dr. Peter K. Rogan Lab, Western University
No classification provided (evidence only). Condition: Hepatocellular carcinoma. Review status: no classification provided. Collection method: in vitro. Allele origin: not applicable. Functional consequence: retained intron. Not counted in ClinVar's aggregate classification.